The following is an entry in ClinVar:

NM_001303052.2(MYT1L):c.2642+1G>A

Gene: MYT1L (myelin transcription factor 1 like; minus strand). Cytogenetic location: 2p25.3.
Variant type: single nucleotide variant.
Coding change: c.2642+1G>A on transcript NM_001303052.2 (MANE Select); the canonical splice donor site of the intron after coding-DNA position 2642, G replaced by A.
Molecular consequence: splice donor variant.
Genome position (GRCh38, 1-based): chr2:1,887,487, C>T on the plus strand (G>A on the coding strand, the complement: MYT1L is on the minus strand). VCF-style: chr2-1887487-C-T. GRCh37 (hg19) VCF-style: chr2-1891259-C-T.
Other names: 2636+1G-A; c.2636+1G>A (NM_015025.4, NM_001329847.2, NM_001329848.1 and 3 more transcripts); c.2642+1G>A (NM_001329844.2, NM_001329845.1, NM_001329851.3).
Identifiers: ClinVar variation 208428 (VCV000208428.10), dbSNP rs869320675, ClinGen allele CA358839.

ClinVar aggregate classification (germline): Pathogenic. Review status: criteria provided, multiple submitters, no conflicts (2 of 4 stars). 5 submissions from 5 submitters: Pathogenic (2). 3 of the submissions do not count toward it. Last evaluated 2025-06-17.

Conditions:
Intellectual developmental disorder, autosomal dominant 39. Also called: Intellectual disability, autosomal dominant 39; Mental retardation, autosomal dominant 39. Identifiers: MedGen C4225296, MONDO:0014678, OMIM 616521.

Submissions (5):

Clinical Genomics Laboratory, Washington University in St. Louis
Classification: Pathogenic for Intellectual developmental disorder, autosomal dominant 39. Last evaluated: 2025-06-17. Review status: criteria provided, single submitter. Criteria: ACMG Guidelines, 2015. Collection method: clinical testing. Allele origin: germline. Affected: yes.
Comment: The MYT1L c.2642+1G>A variant, also known as c.2636+1G>A on NM_001329849.3, has been reported as occurring de novo in at least four individuals affected with developmental delay, intellectual disability, and/or obesity (de Ligt J et al., PMID: 23033978; De Rocker N et al., PMID: 25232846; Dong X et al., PMID: 32005694; Hamanaka K et al., PMID: 35468861; Sukenik-Halevy R et al., PMID: 35032046). This variant has been reported in the ClinVar database as a germline pathogenic variant by four submitters (Variation ID: 208428) and is absent from the general population (gnomAD v.4.1.0), indicating it is not a common variant. This variant occurs within the canonical splice donor site, which is predicted to cause skipping of the exon, leading to an out of frame transcript. Based on available information and the ACMG/AMP guidelines for variant interpretation (Richards S et al., PMID: 25741868), this variant is classified as pathogenic.

GeneDx
Classification: Pathogenic. Last evaluated: 2022-12-12. Review status: criteria provided, single submitter. Criteria: GeneDx Variant Classification Process June 2021. Collection method: clinical testing. Allele origin: germline. Affected: yes.
Comment: Canonical splice site variant predicted to result in a null allele in a gene for which loss of function is a known mechanism of disease; Not observed at significant frequency in large population cohorts (gnomAD); This variant is associated with the following publications: (PMID: 23033978, 28191890, 25232846, 32005694, 35032046)

OMIM
Classification: Pathogenic for INTELLECTUAL DEVELOPMENTAL DISORDER, AUTOSOMAL DOMINANT 39. Last evaluated: 2012-11-15. Review status: no assertion criteria provided. Collection method: literature only. Allele origin: germline. Not counted in ClinVar's aggregate classification.

Diagnostic Laboratory, Department of Genetics, University Medical Center Groningen
Classification: Pathogenic. Review status: no assertion criteria provided. Collection method: clinical testing. Allele origin: germline. Affected: yes. Study: VKGL Data-share Consensus. Not counted in ClinVar's aggregate classification.

Joint Genome Diagnostic Labs from Nijmegen and Maastricht, Radboudumc and MUMC+
Classification: Pathogenic. Review status: no assertion criteria provided. Collection method: clinical testing. Allele origin: germline. Affected: yes. Study: VKGL Data-share Consensus. Not counted in ClinVar's aggregate classification.

Literature cited by the submitters: PubMed 23033978 (cited by OMIM).